The following is an entry in ClinVar:

ClinVar aggregate classification (germline): Likely pathogenic (1 of 4 stars; one submission).

Submission:

Labcorp Genetics (formerly Invitae), Labcorp
Classification: Likely pathogenic. Last evaluated: 2022-02-17. Review status: criteria provided, single submitter. Criteria: Invitae Variant Classification Sherloc (09022015). Collection method: clinical testing. Allele origin: germline.
Comment: This sequence change affects a donor splice site in intron 9 of the VPS13A gene. It is expected to disrupt RNA splicing. Variants that disrupt the donor or acceptor splice site typically lead to a loss of protein function (PMID: 16199547), and loss-of-function variants in VPS13A are known to be pathogenic (PMID: 12404112, 21598378). This variant is not present in population databases (gnomAD no frequency). This variant has not been reported in the literature in individuals affected with VPS13A-related conditions. Algorithms developed to predict the effect of sequence changes on RNA splicing suggest that this variant may disrupt the consensus splice site. In summary, the currently available evidence indicates that the variant is pathogenic, but additional data are needed to prove that conclusively. Therefore, this variant has been classified as Likely Pathogenic.

Literature cited by the submitters: PubMed 16199547; PubMed 12404112; PubMed 21598378.

NM_033305.3(VPS13A):c.696+2T>G

Gene: VPS13A (vacuolar protein sorting 13 homolog A; plus strand). Cytogenetic location: 9q21.2.
Variant type: single nucleotide variant.
Coding change: c.696+2T>G on transcript NM_033305.3 (MANE Select); the canonical splice donor site of the intron after coding-DNA position 696, T replaced by G.
Molecular consequence: splice donor variant.
Genome position (GRCh38, 1-based): chr9:77,213,316, T>G. VCF-style: chr9-77213316-T-G. GRCh37 (hg19) VCF-style: chr9-79828232-T-G.
Other names: c.696+2T>G (NM_001018037.2, NM_015186.4, NM_001018038.3).
Identifiers: ClinVar variation 1483045 (VCV001483045.6), dbSNP rs2131153753, ClinGen allele CA373842860.